The following is an entry in ClinVar:

NM_031372.4(HNRNPDL):c.105_113del (p.Arg36_Leu38del)

Gene: HNRNPDL (heterogeneous nuclear ribonucleoprotein D like; minus strand). Cytogenetic location: 4q21.22.
Variant type: Deletion.
Coding change: c.105_113del on transcript NM_031372.4 (MANE Select); coding-DNA positions 105 to 113, 9 bases deleted (GCGGCAGCT; older notation c.105_113delGCGGCAGCT).
Protein change: p.Arg36_Leu38del.
Molecular consequence: inframe deletion. On other transcripts: non-coding transcript variant (1).
Genome position (GRCh38, 1-based): chr4:82,429,578-82,429,586, AGCTGCCGC deleted on the plus strand (GCGGCAGCT on the coding strand, the reverse complement: HNRNPDL is on the minus strand). VCF-style (leftmost placement, unchanged base first): chr4-82429577-TAGCTGCCGC-T. GRCh37 (hg19) VCF-style: chr4-83350730-TAGCTGCCGC-T.
Other names: c.105_113del, p.Arg36_Leu38del (NM_001207000.1).
Identifiers: ClinVar variation 2073279 (VCV002073279.4), dbSNP rs1423121787, ClinGen allele CA440088243.

ClinVar aggregate classification (germline): Uncertain significance (1 of 4 stars; one submission).

Conditions:
Autosomal dominant limb-girdle muscular dystrophy type 1G (LGMDD3). Also called: Limb-girdle muscular dystrophy, type 1G; MUSCULAR DYSTROPHY, LIMB-GIRDLE, AUTOSOMAL DOMINANT 3. Identifiers: Orphanet 55596, MedGen C1836765, MONDO:0012193, OMIM 609115.

Allele frequency attached by ClinVar (database versions not stated): gnomAD exomes 0.00002; gnomAD 0.00005; TOPMed 0.00006.

Submission:

Labcorp Genetics (formerly Invitae), Labcorp
Classification: Uncertain significance for Autosomal dominant limb-girdle muscular dystrophy type 1G. Last evaluated: 2023-04-10. Review status: criteria provided, single submitter. Criteria: Invitae Variant Classification Sherloc (09022015). Collection method: clinical testing. Allele origin: germline.
Comment: Experimental studies and prediction algorithms are not available or were not evaluated, and the functional significance of this variant is currently unknown. In summary, the available evidence is currently insufficient to determine the role of this variant in disease. Therefore, it has been classified as a Variant of Uncertain Significance. ClinVar contains an entry for this variant (Variation ID: 2073279). This variant, c.105_113del, results in the deletion of 3 amino acid(s) of the HNRNPDL protein (p.Arg36_Leu38del), but otherwise preserves the integrity of the reading frame. This variant is present in population databases (no rsID available, gnomAD 0.03%). This variant has not been reported in the literature in individuals affected with HNRNPDL-related conditions.